The following is an entry in ClinVar:

ClinVar aggregate classification (germline): Benign. Review status: criteria provided, multiple submitters, no conflicts (2 of 4 stars). 3 submissions from 3 submitters: Benign (2). 1 of the submissions does not count toward it. Last evaluated 2019-12-31.

Conditions:
CSMD3-related disorder. Also called: CSMD3-related condition.

Allele frequency attached by ClinVar (database versions not stated): gnomAD exomes 0.00062 and 0.00168; ExAC 0.00210; 1000 Genomes Project 0.00459; 1000 Genomes Project 30x 0.00562; gnomAD 0.00620 and 0.00673; ESP Exome Variant Server 0.00630; TOPMed 0.00721.
gnomAD v4.1: 1,891 of 1,614,012 alleles (0.12%); highest among the groups gnomAD compares: African/African-American, 2.2%; 19 homozygotes.

Submissions (3):

Labcorp Genetics (formerly Invitae), Labcorp
Classification: Benign. Last evaluated: 2019-12-31. Review status: criteria provided, single submitter. Criteria: Invitae Variant Classification Sherloc (09022015). Collection method: clinical testing. Allele origin: germline.

Breakthrough Genomics
Classification: Benign. Review status: criteria provided, single submitter. Criteria: ACMG Guidelines, 2015. Collection method: not provided. Allele origin: germline. Inheritance: Unknown mechanism. Affected: yes.

PreventionGenetics, part of Exact Sciences
Classification: Benign for CSMD3-related condition. Last evaluated: 2019-04-11. Review status: no assertion criteria provided. Collection method: clinical testing. Allele origin: germline. Not counted in ClinVar's aggregate classification.
Comment: This variant is classified as benign based on ACMG/AMP sequence variant interpretation guidelines (Richards et al. 2015 PMID: 25741868, with internal and published modifications).

NM_198123.2(CSMD3):c.5236G>A (p.Asp1746Asn)

Gene: CSMD3 (CUB and Sushi multiple domains 3; minus strand). Cytogenetic location: 8q23.3.
Variant type: single nucleotide variant.
Coding change: c.5236G>A on transcript NM_198123.2 (MANE Select); coding-DNA position 5236, G replaced by A.
Protein change: p.Asp1746Asn; replaces aspartic acid 1746 with asparagine.
Molecular consequence: missense variant.
Genome position (GRCh38, 1-based): chr8:112,492,531, C>T on the plus strand (G>A on the coding strand, the complement: CSMD3 is on the minus strand). VCF-style: chr8-112492531-C-T. GRCh37 (hg19) VCF-style: chr8-113504760-C-T.
Other names: c.4846G>A, p.Asp1616Asn (NM_001363185.1); c.4924G>A, p.Asp1642Asn (NM_052900.3); c.5116G>A, p.Asp1706Asn (NM_198124.2); short protein forms D1616N, D1642N, D1706N, D1746N.
Identifiers: ClinVar variation 776376 (VCV000776376.7), dbSNP rs76916857, ClinGen allele CA4849945.